The following is an entry in ClinVar:

ClinVar aggregate classification (germline): Conflicting classifications of pathogenicity. Review status: criteria provided, conflicting classifications (1 of 4 stars). 2 submissions from 2 submitters: Uncertain significance (1); Likely benign (1). Last evaluated 2025-09-01.

Allele frequency attached by ClinVar (database versions not stated): TOPMed below 0.00001; gnomAD exomes 0.00001; ExAC 0.00002.
gnomAD v4.1: 8 of 1,609,354 alleles (0.0005%); highest among the groups gnomAD compares: Middle Eastern, 0.017%; no homozygotes.

Submissions (2):

CeGaT Center for Human Genetics Tuebingen
Classification: Likely benign. Last evaluated: 2025-09-01. Review status: criteria provided, single submitter. Criteria: CeGaT Center For Human Genetics Tuebingen Variant Classification Criteria Version 2. Collection method: clinical testing. Allele origin: germline. Affected: yes. Observed: 3 variant alleles.
Comment: AHDC1: BP1

Labcorp Genetics (formerly Invitae), Labcorp
Classification: Uncertain significance. Last evaluated: 2024-01-25. Review status: criteria provided, single submitter. Criteria: Invitae Variant Classification Sherloc (09022015). Collection method: clinical testing. Allele origin: germline.
Comment: This sequence change replaces arginine, which is basic and polar, with glutamine, which is neutral and polar, at codon 87 of the AHDC1 protein (p.Arg87Gln). This variant is present in population databases (rs765084436, gnomAD 0.007%). This variant has not been reported in the literature in individuals affected with AHDC1-related conditions. ClinVar contains an entry for this variant (Variation ID: 1974125). An algorithm developed to predict the effect of missense changes on protein structure and function (PolyPhen-2) suggests that this variant is likely to be tolerated. In summary, the available evidence is currently insufficient to determine the role of this variant in disease. Therefore, it has been classified as a Variant of Uncertain Significance.

NM_001371928.1(AHDC1):c.260G>A (p.Arg87Gln)

Gene: AHDC1 (AT-hook DNA binding motif containing 1; minus strand). Cytogenetic location: 1p36.11.
Variant type: single nucleotide variant.
Coding change: c.260G>A on transcript NM_001371928.1 (MANE Select); coding-DNA position 260, G replaced by A.
Protein change: p.Arg87Gln; replaces arginine 87 with glutamine.
Molecular consequence: missense variant.
Genome position (GRCh38, 1-based): chr1:27,551,856, C>T on the plus strand (G>A on the coding strand, the complement: AHDC1 is on the minus strand). VCF-style: chr1-27551856-C-T. GRCh37 (hg19) VCF-style: chr1-27878367-C-T.
Other names: c.260G>A, p.Arg87Gln (NM_001029882.3); short protein forms R87Q.
Identifiers: ClinVar variation 1974125 (VCV001974125.29), dbSNP rs765084436, ClinGen allele CA716187.